The following is an entry in ClinVar:

NM_147127.5(EVC2):c.2022del (p.Arg675fs)

Gene: EVC2 (EvC ciliary complex subunit 2; minus strand). Cytogenetic location: 4p16.2.
Variant type: Deletion.
Coding change: c.2022del on transcript NM_147127.5 (MANE Select); coding-DNA position 2022, one base deleted (G; older notation c.2022delG).
Protein change: p.Arg675fs; shifts the reading frame from arginine 675.
Molecular consequence: frameshift variant.
Genome position (GRCh38, 1-based): chr4:5,625,773, C deleted on the plus strand (G on the coding strand, the reverse complement: EVC2 is on the minus strand). VCF-style (leftmost placement, unchanged base first): chr4-5625772-TC-T. GRCh37 (hg19) VCF-style: chr4-5627499-TC-T.
Other names: c.1782del, p.Arg595fs (NM_001166136.2); short protein forms R595fs, R675fs.
Identifiers: ClinVar variation 5012669 (VCV005012669.1).

ClinVar aggregate classification (germline): Pathogenic (1 of 4 stars; one submission).

Conditions:
Ellis-van Creveld syndrome (EVC). Also called: MESOECTODERMAL DYSPLASIA; Chondroectodermal dysplasia. Identifiers: Orphanet 289, MedGen C0013903, MONDO:0009162, OMIM 225500.

Submission:

Myriad Genetics, Inc.
Classification: Pathogenic for Ellis-van Creveld syndrome. Last evaluated: 2024-01-22. Review status: criteria provided, single submitter. Criteria: Myriad Autosomal Dominant, Autosomal Recessive and X-Linked Classification Criteria (2023). Collection method: clinical testing. Allele origin: unknown.
Comment: NM_147127.4(EVC2):c.2022delG(R675Efs*39) is expected to be pathogenic in the context of EVC2-related Ellis-van Creveld syndrome. This variant is predicted to lead to an abnormal or absent protein product due to the creation of a premature termination codon in EVC2, a gene where loss-of-function variants are known to be pathogenic. Please note: this variant was assessed in the context of healthy population screening.